The following is an entry in ClinVar:

ClinVar aggregate classification (germline): Benign (3 of 4 stars; one submission).

Conditions:
Breast-ovarian cancer, familial, susceptibility to, 2 (BROVCA2). Also called: BRCA2 Hereditary Breast and Ovarian Cancer. Identifiers: Orphanet 145, MedGen C2675520, MONDO:0012933, OMIM 612555. Disease mechanism: loss of function.

Allele frequency attached by ClinVar (database versions not stated): gnomAD 0.00735 and 0.00785; TOPMed 0.00808; 1000 Genomes Project 0.00899; 1000 Genomes Project 30x 0.00984.

Submission:

Evidence-based Network for the Interpretation of Germline Mutant Alleles (ENIGMA)
Classification: Benign for Breast-ovarian cancer, familial 2. Last evaluated: 2015-01-12. Review status: reviewed by expert panel. Criteria: ENIGMA BRCA1/2 Classification Criteria (2015). Collection method: curation. Allele origin: germline.
Comment: Class 1 not pathogenic based on frequency >1% in an outbred sampleset. Frequency 0.03 (African), derived from 1000 genomes (2012-04-30).

NM_000059.4(BRCA2):c.9256+2454dup

Gene: BRCA2 (BRCA2 DNA repair associated; plus strand). Cytogenetic location: 13q13.1.
Variant type: Duplication.
Coding change: c.9256+2454dup on transcript NM_000059.4 (MANE Select); 2454 bases into the intron after coding-DNA position 9256, one base duplicated (G; older notation c.9256+2454dupG).
Molecular consequence: intron variant.
Genome position (GRCh38, 1-based): chr13:32,382,599, G duplicated. VCF-style (leftmost placement, unchanged base first): chr13-32382598-A-AG. GRCh37 (hg19) VCF-style: chr13-32956735-A-AG.
Other names: IVS 24+2453insG; c.9256+2453_9256+2454insG (NM_000059.3).
Identifiers: ClinVar variation 209857 (VCV000209857.1), dbSNP rs11571780, ClinGen allele CA276825.